The following is an entry in ClinVar:

ClinVar aggregate classification (germline): Uncertain significance (1 of 4 stars; one submission).

Submission:

Labcorp Genetics (formerly Invitae), Labcorp
Classification: Uncertain significance. Last evaluated: 2025-08-30. Review status: criteria provided, single submitter. Criteria: Invitae Variant Classification Sherloc (09022015). Collection method: clinical testing. Allele origin: germline.
Comment: This sequence change falls in intron 2 of the SERPING1 gene. It does not directly change the encoded amino acid sequence of the SERPING1 protein. This variant is not present in population databases (gnomAD no frequency). This variant has not been reported in the literature in individuals affected with SERPING1-related conditions. In summary, the available evidence is currently insufficient to determine the role of this variant in disease. Therefore, it has been classified as a Variant of Uncertain Significance.

NM_000062.3(SERPING1):c.52-5CA[4]

Gene: SERPING1 (serpin family G member 1; plus strand). Cytogenetic location: 11q12.1.
Variant type: Microsatellite.
Coding change: c.52-5CA[4] on transcript NM_000062.3 (MANE Select); four copies in a row of the 2-base unit CA starting at c.52-5; the reference has two copies in a row; two copies, 4 bases duplicated.
Molecular consequence: splice acceptor variant.
Genome position (GRCh38, 1-based): chr11:57,599,874-57,599,877, CACA duplicated. VCF-style (leftmost placement, unchanged base first): chr11-57599873-C-CCACA. GRCh37 (hg19) VCF-style: chr11-57367346-C-CCACA.
Other names: c.52-5CA[4] (NM_001032295.2).
Identifiers: ClinVar variation 2199211 (VCV002199211.4), dbSNP rs2495424950, ClinGen allele CA2580615699.
Genomic context (GRCh38, chr11:57,599,873, plus strand): 5'-TTGAGTATTTTAGAGGACTGTGCCTCGTAGTAAGAAAAAAATGAAACTCAGTTTCTTGAA[C>CCACA]CACAGGATAGAGCCTCCTCAAATCCAAATGCTACCAGCTCCAGCTCCCAGGATCCAGAGA-3'